The following is an entry in ClinVar:

NM_001190737.2(NFIB):c.364C>T (p.Arg122Ter)

Gene: NFIB (nuclear factor I B; minus strand). Cytogenetic location: 9p22.3.
Variant type: single nucleotide variant.
Coding change: c.364C>T on transcript NM_001190737.2 (MANE Select); coding-DNA position 364, C replaced by T.
Protein change: p.Arg122Ter; replaces arginine 122 with a stop codon.
Molecular consequence: nonsense. On other transcripts: intron variant (3).
Genome position (GRCh38, 1-based): chr9:14,307,187, G>A on the plus strand (C>T on the coding strand, the complement: NFIB is on the minus strand). VCF-style: chr9-14307187-G-A. GRCh37 (hg19) VCF-style: chr9-14307186-G-A.
Other names: c.364C>T, p.Arg122Ter (NM_001369471.1, NM_001369477.1, NM_001369481.1 and 3 more transcripts); c.352C>T, p.Arg118Ter (NM_001369472.1, NM_001369473.1, NM_001369460.1 and 2 more transcripts); c.349C>T, p.Arg117Ter (NM_001369474.1); c.337C>T, p.Arg113Ter (NM_001369476.1, NM_001369465.1, NM_001369467.1); c.325+27C>T (NM_001369478.1, NM_001369470.1); c.337+27C>T (NM_001369475.1); c.430C>T, p.Arg144Ter (NM_001369462.1, NM_001369468.1, NM_001369458.1 and 1 more transcripts); c.220C>T, p.Arg74Ter (NM_001369469.1); and 1 more; short protein forms R113*, R117*, R118*, R122*, R144*, R148*, R74*.
Identifiers: ClinVar variation 2576943 (VCV002576943.2), dbSNP rs966707448, ClinGen allele CA373090255.
Genomic context (GRCh38, chr9:14,307,187, plus strand): 5'-GGATGCCTTTGAACAGGATCACCATGACTAGATCCAGACGCCAGACTTTGTCTGCCTGTC[G>A]CAGGCAGTCGATTCTCCTAATCTTACCCTTCTGGTCGGGATTGGATAAGACACAGCACGG-3'

ClinVar aggregate classification (germline): Pathogenic (1 of 4 stars; one submission).

Submission:

GeneDx
Classification: Pathogenic. Last evaluated: 2025-12-14. Review status: criteria provided, single submitter. Criteria: GeneDx Variant Classification Process June 2021. Collection method: clinical testing. Allele origin: germline.
Comment: Nonsense variant predicted to result in protein truncation or nonsense mediated decay in a gene for which loss of function is a known mechanism of disease; Not observed at significant frequency in large population cohorts (gnomAD); Has not been previously published as pathogenic or benign to our knowledge